The following is an entry in ClinVar:

ClinVar aggregate classification (germline): Uncertain significance (1 of 4 stars; one submission).

Submission:

Labcorp Genetics (formerly Invitae), Labcorp
Classification: Uncertain significance. Last evaluated: 2020-11-24. Review status: criteria provided, single submitter. Criteria: Invitae Variant Classification Sherloc (09022015). Collection method: clinical testing. Allele origin: germline.
Comment: In summary, the available evidence is currently insufficient to determine the role of this variant in disease. Therefore, it has been classified as a Variant of Uncertain Significance. Algorithms developed to predict the effect of missense changes on protein structure and function output the following: SIFT: "Tolerated"; PolyPhen-2: "Benign"; Align-GVGD: "Class C0". The leucine amino acid residue is found in multiple mammalian species, suggesting that this missense change does not adversely affect protein function. These predictions have not been confirmed by published functional studies and their clinical significance is uncertain. This variant has not been reported in the literature in individuals with MSH3-related conditions. This variant is not present in population databases (ExAC no frequency). This sequence change replaces phenylalanine with leucine at codon 1126 of the MSH3 protein (p.Phe1126Leu). The phenylalanine residue is weakly conserved and there is a small physicochemical difference between phenylalanine and leucine.

NM_002439.5(MSH3):c.3378C>A (p.Phe1126Leu)

Gene: MSH3 (mutS homolog 3; plus strand). Cytogenetic location: 5q14.1.
Variant type: single nucleotide variant.
Coding change: c.3378C>A on transcript NM_002439.5 (MANE Select); coding-DNA position 3378, C replaced by A.
Protein change: p.Phe1126Leu; replaces phenylalanine 1126 with leucine.
Molecular consequence: missense variant.
Genome position (GRCh38, 1-based): chr5:80,875,826, C>A. VCF-style: chr5-80875826-C-A. GRCh37 (hg19) VCF-style: chr5-80171645-C-A.
Other names: short protein forms F1126L.
Identifiers: ClinVar variation 1487026 (VCV001487026.8), dbSNP rs1239504645, ClinGen allele CA360347436.